The following is an entry in ClinVar:

ClinVar aggregate classification (germline): Uncertain significance. Review status: criteria provided, multiple submitters, no conflicts (2 of 4 stars). 2 submissions from 2 submitters: Uncertain significance (2). Last evaluated 2025-02-28.

Conditions:
Inborn genetic diseases. Identifiers: MedGen C0950123, MeSH D030342.
Brachyolmia-amelogenesis imperfecta syndrome. Also called: PLATYSPONDYLY WITH AMELOGENESIS IMPERFECTA; Tooth agenesis, selective, 6; Dental anomalies and short stature. Identifiers: Orphanet 2899, MedGen C1832594, MONDO:0011018, OMIM 601216. Disease mechanism: loss of function.

Allele frequency attached by ClinVar (database versions not stated): gnomAD 0.00001; TOPMed 0.00001; ExAC 0.00007.

Submissions (2):

Ambry Genetics
Classification: Uncertain significance for Inborn genetic diseases. Last evaluated: 2025-02-28. Review status: criteria provided, single submitter. Criteria: Ambry Variant Classification Scheme 2023. Collection method: clinical testing. Allele origin: germline.

Labcorp Genetics (formerly Invitae), Labcorp
Classification: Uncertain significance for Brachyolmia-amelogenesis imperfecta syndrome. Last evaluated: 2022-02-03. Review status: criteria provided, single submitter. Criteria: Invitae Variant Classification Sherloc (09022015). Collection method: clinical testing. Allele origin: germline.
Comment: In summary, the available evidence is currently insufficient to determine the role of this variant in disease. Therefore, it has been classified as a Variant of Uncertain Significance. Algorithms developed to predict the effect of missense changes on protein structure and function output the following: SIFT: "Tolerated"; PolyPhen-2: "Benign"; Align-GVGD: "Class C0". The valine amino acid residue is found in multiple mammalian species, which suggests that this missense change does not adversely affect protein function. This variant has not been reported in the literature in individuals affected with LTBP3-related conditions. The frequency data for this variant in the population databases is considered unreliable, as metrics indicate poor data quality at this position in the gnomAD database. This sequence change replaces alanine, which is neutral and non-polar, with valine, which is neutral and non-polar, at codon 1071 of the LTBP3 protein (p.Ala1071Val).

NM_001130144.3(LTBP3):c.3212C>T (p.Ala1071Val)

Genes: LTBP3 (latent transforming growth factor beta binding protein 3; minus strand), LOC121832793 (Sharpr-MPRA regulatory region 4001; plus strand). Cytogenetic location: 11q13.1.
Variant type: single nucleotide variant.
Coding change: c.3212C>T on transcript NM_001130144.3 (MANE Select); coding-DNA position 3212, C replaced by T.
Protein change: p.Ala1071Val; replaces alanine 1071 with valine.
Molecular consequence: missense variant.
Genome position (GRCh38, 1-based): chr11:65,540,277, G>A on the plus strand (C>T on the coding strand, the complement: LTBP3 is on the minus strand). VCF-style: chr11-65540277-G-A. GRCh37 (hg19) VCF-style: chr11-65307748-G-A.
Other names: c.3212C>T (NM_001130144.2); c.2861C>T, p.Ala954Val (NM_001164266.1); c.3212C>T, p.Ala1071Val (NM_021070.4); short protein forms A954V, A1071V.
Identifiers: ClinVar variation 1944926 (VCV001944926.6), dbSNP rs746084277, ClinGen allele CA6100312.